The following is an entry in ClinVar:

ClinVar aggregate classification (germline): Uncertain significance. Review status: criteria provided, multiple submitters, no conflicts (2 of 4 stars). 6 submissions from 3 submitters: Uncertain significance (6). Last evaluated 2023-04-11.

Conditions:
Hypokalemic periodic paralysis, type 1. Also called: Hypokalemic Periodic Paralysis Type 1 (AD); HypoPP. Identifiers: Orphanet 681, MedGen C3714580, MONDO:0042979, OMIM 170400.
Malignant hyperthermia, susceptibility to, 5 (MHS5). Also called: CACNA1S-Related Malignant Hyperthermia Susceptibility. Identifiers: Orphanet 423, MedGen C1866077, MONDO:0011163, OMIM 601887.
Congenital myopathy 18. Also called: DIHYDROPYRIDINE RECEPTOR CONGENITAL MYOPATHY; DHPR CONGENITAL MYOPATHY; Myopathy, congenital, due to dihydropyridine receptor defect. Identifiers: MedGen C5830283, MONDO:0859514, OMIM 620246.
Thyrotoxic periodic paralysis, susceptibility to, 1 (TTPP1). Identifiers: Orphanet 79102, MedGen C2749982, MONDO:0008570, OMIM 188580.

Allele frequency attached by ClinVar (database versions not stated): gnomAD exomes below 0.00001 and 0.00001; ExAC 0.00001.

Submissions (6):

Genome-Nilou Lab
Classification: Uncertain significance for Malignant hyperthermia, susceptibility to, 5. Last evaluated: 2023-04-11. Review status: criteria provided, single submitter. Criteria: ACMG Guidelines, 2015. Collection method: clinical testing. Allele origin: germline. Affected: no.

Genome-Nilou Lab
Classification: Uncertain significance for Thyrotoxic periodic paralysis, susceptibility to, 1. Last evaluated: 2023-04-11. Review status: criteria provided, single submitter. Criteria: ACMG Guidelines, 2015. Collection method: clinical testing. Allele origin: germline. Affected: no.

Genome-Nilou Lab
Classification: Uncertain significance for Congenital myopathy 18. Last evaluated: 2023-04-11. Review status: criteria provided, single submitter. Criteria: ACMG Guidelines, 2015. Collection method: clinical testing. Allele origin: germline. Affected: no.

Genome-Nilou Lab
Classification: Uncertain significance for Hypokalemic periodic paralysis, type 1. Last evaluated: 2023-04-11. Review status: criteria provided, single submitter. Criteria: ACMG Guidelines, 2015. Collection method: clinical testing. Allele origin: germline. Affected: no.

Labcorp Genetics (formerly Invitae), Labcorp
Classification: Uncertain significance for Hypokalemic periodic paralysis, type 1; Malignant hyperthermia, susceptibility to, 5. Last evaluated: 2022-07-19. Review status: criteria provided, single submitter. Criteria: Invitae Variant Classification Sherloc (09022015). Collection method: clinical testing. Allele origin: germline.
Comment: In summary, the available evidence is currently insufficient to determine the role of this variant in disease. Therefore, it has been classified as a Variant of Uncertain Significance. Advanced modeling of protein sequence and biophysical properties (such as structural, functional, and spatial information, amino acid conservation, physicochemical variation, residue mobility, and thermodynamic stability) performed at Invitae indicates that this missense variant is not expected to disrupt CACNA1S protein function. ClinVar contains an entry for this variant (Variation ID: 294722). This variant has not been reported in the literature in individuals affected with CACNA1S-related conditions. This variant is present in population databases (rs200487546, gnomAD 0.002%). This sequence change replaces threonine, which is neutral and polar, with isoleucine, which is neutral and non-polar, at codon 1354 of the CACNA1S protein (p.Thr1354Ile).

Illumina Laboratory Services, Illumina
Classification: Uncertain significance for Hypokalemic periodic paralysis, type 1. Last evaluated: 2018-01-13. Review status: criteria provided, single submitter. Criteria: ICSL Variant Classification Criteria 13 December 2019. Collection method: clinical testing. Allele origin: germline.

NM_000069.3(CACNA1S):c.4061C>T (p.Thr1354Ile)

Gene: CACNA1S (calcium voltage-gated channel subunit alpha1 S; minus strand). Cytogenetic location: 1q32.1.
Variant type: single nucleotide variant.
Coding change: c.4061C>T on transcript NM_000069.3 (MANE Select); coding-DNA position 4061, C replaced by T.
Protein change: p.Thr1354Ile; replaces threonine 1354 with isoleucine.
Molecular consequence: missense variant.
Genome position (GRCh38, 1-based): chr1:201,051,036, G>A on the plus strand (C>T on the coding strand, the complement: CACNA1S is on the minus strand). VCF-style: chr1-201051036-G-A. GRCh37 (hg19) VCF-style: chr1-201020164-G-A.
Other names: short protein forms T1354I.
Identifiers: ClinVar variation 294722 (VCV000294722.17), dbSNP rs200487546, ClinGen allele CA083060.